The following is an entry in ClinVar:

ClinVar aggregate classification (germline): Uncertain significance (1 of 4 stars; one submission).

Allele frequency attached by ClinVar (database versions not stated): gnomAD 0.00001; gnomAD exomes 0.00001; TOPMed 0.00001.
gnomAD v4.1: 22 of 1,614,006 alleles (0.0014%); highest among the groups gnomAD compares: Middle Eastern, 0.016%; 2 homozygotes.

Submission:

Labcorp Genetics (formerly Invitae), Labcorp
Classification: Uncertain significance. Last evaluated: 2025-08-21. Review status: criteria provided, single submitter. Criteria: Invitae Variant Classification Sherloc (09022015). Collection method: clinical testing. Allele origin: germline.
Comment: This sequence change replaces histidine, which is basic and polar, with tyrosine, which is neutral and polar, at codon 1869 of the RP1 protein (p.His1869Tyr). This variant is present in population databases (rs112564527, gnomAD 0.01%). This variant has not been reported in the literature in individuals affected with RP1-related conditions. ClinVar contains an entry for this variant (Variation ID: 1460543). An algorithm developed to predict the effect of missense changes on protein structure and function (PolyPhen-2) suggests that this variant is likely to be disruptive. In summary, the available evidence is currently insufficient to determine the role of this variant in disease. Therefore, it has been classified as a Variant of Uncertain Significance.

NM_006269.2(RP1):c.5605C>T (p.His1869Tyr)

Genes: RP1 (RP1 axonemal microtubule associated; plus strand), LOC126860392 (CDK7 strongly-dependent group 2 enhancer GRCh37_chr8:55541319-55542518; plus strand). Cytogenetic location: 8q12.1.
Variant type: single nucleotide variant.
Coding change: c.5605C>T on transcript NM_006269.2 (MANE Select); coding-DNA position 5605, C replaced by T.
Protein change: p.His1869Tyr; replaces histidine 1869 with tyrosine.
Molecular consequence: missense variant. On other transcripts: intron variant (1).
Genome position (GRCh38, 1-based): chr8:54,629,487, C>T. VCF-style: chr8-54629487-C-T. GRCh37 (hg19) VCF-style: chr8-55542047-C-T.
Other names: c.787+7199C>T (NM_001375654.1); short protein forms H1869Y.
Identifiers: ClinVar variation 1460543 (VCV001460543.6), dbSNP rs112564527, ClinGen allele CA177183821.